The following is an entry in ClinVar:

ClinVar aggregate classification (germline): Uncertain significance. Review status: criteria provided, multiple submitters, no conflicts (2 of 4 stars). 2 submissions from 2 submitters: Uncertain significance (2). Last evaluated 2024-09-16.

Conditions:
Inborn genetic diseases. Identifiers: MedGen C0950123, MeSH D030342.
Immunodeficiency 104. Also called: Severe combined immunodeficiency, autosomal recessive, T cell-negative, B cell-positive, NK cell-positive; IMMUNODEFICIENCY 104, SEVERE COMBINED; SCID, AUTOSOMAL RECESSIVE, T CELL-NEGATIVE, B CELL-POSITIVE, NK CELL-POSITIVE; Severe Combined Immune Deficiency, Autosomal Recessive, TCell -Negative, B Cell-Positive, NK Cell-Positive, IL7R-Related. Identifiers: MedGen C5676890, MONDO:0012163, OMIM 608971.

Allele frequency attached by ClinVar (database versions not stated): gnomAD exomes 0.00001.
gnomAD v4.1: 10 of 1,613,540 alleles (0.00062%); highest among the groups gnomAD compares: Admixed American, 0.0017%; no homozygotes.

Submissions (2):

Labcorp Genetics (formerly Invitae), Labcorp
Classification: Uncertain significance for Immunodeficiency 104. Last evaluated: 2024-09-16. Review status: criteria provided, single submitter. Criteria: Invitae Variant Classification Sherloc (09022015). Collection method: clinical testing. Allele origin: germline.
Comment: This sequence change replaces asparagine, which is neutral and polar, with threonine, which is neutral and polar, at codon 1263 of the PTPRC protein (p.Asn1263Thr). This variant is present in population databases (no rsID available, gnomAD 0.0009%). This variant has not been reported in the literature in individuals affected with PTPRC-related conditions. ClinVar contains an entry for this variant (Variation ID: 2319900). An algorithm developed to predict the effect of missense changes on protein structure and function (PolyPhen-2) suggests that this variant is likely to be tolerated. In summary, the available evidence is currently insufficient to determine the role of this variant in disease. Therefore, it has been classified as a Variant of Uncertain Significance.

Ambry Genetics
Classification: Uncertain significance for Inborn genetic diseases. Last evaluated: 2022-10-26. Review status: criteria provided, single submitter. Criteria: Ambry Variant Classification Scheme 2023. Collection method: clinical testing. Allele origin: germline.

NM_002838.5(PTPRC):c.3788A>C (p.Asn1263Thr)

Gene: PTPRC (protein tyrosine phosphatase receptor type C; plus strand). Cytogenetic location: 1q32.1.
Variant type: single nucleotide variant.
Coding change: c.3788A>C on transcript NM_002838.5 (MANE Select); coding-DNA position 3788, A replaced by C.
Protein change: p.Asn1263Thr; replaces asparagine 1263 with threonine.
Molecular consequence: missense variant.
Genome position (GRCh38, 1-based): chr1:198,756,048, A>C. VCF-style: chr1-198756048-A-C. GRCh37 (hg19) VCF-style: chr1-198725177-A-C.
Other names: c.3305A>C, p.Asn1102Thr (NM_080921.4); short protein forms N1102T, N1263T.
Identifiers: ClinVar variation 2319900 (VCV002319900.4), dbSNP rs1190861672, ClinGen allele CA344056169.